The following is an entry in ClinVar:

ClinVar aggregate classification (germline): Uncertain significance (1 of 4 stars; one submission).

Conditions:
Hereditary cancer-predisposing syndrome. Also called: Neoplastic Syndromes, Hereditary; Tumor predisposition; Hereditary Cancer Syndrome; Hereditary neoplastic syndrome. Identifiers: Orphanet 140162, MedGen C0027672, MeSH D009386, MONDO:0015356.

Submission:

Ambry Genetics
Classification: Uncertain significance for Hereditary cancer-predisposing syndrome. Last evaluated: 2026-01-16. Review status: criteria provided, single submitter. Criteria: Ambry Variant Classification Scheme 2023. Collection method: clinical testing. Allele origin: germline.
Comment: The p.P1835S variant (also known as c.5503C>T), located in coding exon 40 of the POLE gene, results from a C to T substitution at nucleotide position 5503. The proline at codon 1835 is replaced by serine, an amino acid with similar properties. This amino acid position is conserved. In addition, the in silico prediction for this alteration is inconclusive. Based on the available evidence, the clinical significance of this variant remains unclear.

NM_006231.4(POLE):c.5503C>T (p.Pro1835Ser)

Gene: POLE (DNA polymerase epsilon, catalytic subunit; minus strand). Cytogenetic location: 12q24.33.
Variant type: single nucleotide variant.
Coding change: c.5503C>T on transcript NM_006231.4 (MANE Select); coding-DNA position 5503, C replaced by T.
Protein change: p.Pro1835Ser; replaces proline 1835 with serine.
Molecular consequence: missense variant.
Genome position (GRCh38, 1-based): chr12:132,639,174, G>A on the plus strand (C>T on the coding strand, the complement: POLE is on the minus strand). VCF-style: chr12-132639174-G-A. GRCh37 (hg19) VCF-style: chr12-133215760-G-A.
Other names: short protein forms P1835S.
Identifiers: ClinVar variation 4844248 (VCV004844248.1).